The following is an entry in ClinVar:

NM_001199107.2(TBC1D24):c.643T>G (p.Trp215Gly)

Gene: TBC1D24 (TBC1 domain family member 24; plus strand). Cytogenetic location: 16p13.3.
Variant type: single nucleotide variant.
Coding change: c.643T>G on transcript NM_001199107.2 (MANE Select); coding-DNA position 643, T replaced by G.
Protein change: p.Trp215Gly; replaces tryptophan 215 with glycine.
Molecular consequence: missense variant.
Genome position (GRCh38, 1-based): chr16:2,496,791, T>G. VCF-style: chr16-2496791-T-G. GRCh37 (hg19) VCF-style: chr16-2546792-T-G.
Other names: c.643T>G, p.Trp215Gly (NM_020705.3); short protein forms W215G.
Identifiers: ClinVar variation 627588 (VCV000627588.5), dbSNP rs761347854, ClinGen allele CA394376814.
Genomic context (GRCh38, chr16:2,496,791, plus strand): 5'-CACAAGCTGATGGTGGCCGTGTCGGAGGATGTCCTGCAGGTCTATGCGGACTGGCAGCGC[T>G]GGCTGTTTGGGGAGCTGCCCCTCTGCTACTTCGCCCGGGTCTTTGACGTCTTCCTGGTGG-3'
Protein context (NP_001186036.1, residues 205-225): VLQVYADWQR[Trp215Gly]LFGELPLCYF

ClinVar aggregate classification (germline): Uncertain significance. Review status: criteria provided, multiple submitters, no conflicts (2 of 4 stars). 3 submissions from 3 submitters: Uncertain significance (3). Last evaluated 2025-10-25.

Conditions:
Inborn genetic diseases. Identifiers: MedGen C0950123, MeSH D030342.
TBC1D24-related disorder. Also called: TBC1D24-related condition; TBC1D24-related disorders. Identifiers: MedGen CN381194.
Autosomal recessive nonsyndromic hearing loss 86 (DFNB86). Also called: Deafness , autosomal recessive 86; TBC1D24-Related Autosomal Recessive Nonsyndromic Hearing Loss (DFNB). Identifiers: Orphanet 90636, MedGen C2829265, MONDO:0013826, OMIM 614617.

Allele frequency attached by ClinVar (database versions not stated): gnomAD exomes below 0.00001; TOPMed below 0.00001; gnomAD 0.00001.
gnomAD v4.1: 2 of 1,613,886 alleles (0.00012%); highest among the groups gnomAD compares: Non-Finnish European, 0.00017%; no homozygotes.

Submissions (3):

PreventionGenetics, part of Exact Sciences
Classification: Uncertain significance for TBC1D24-related condition. Last evaluated: 2025-10-25. Review status: criteria provided, single submitter. Criteria: ACMG Guidelines, 2015. Collection method: clinical testing. Allele origin: germline.
Comment: The TBC1D24 c.643T>G variant is predicted to result in the amino acid substitution p.Trp215Gly. This variant was reported in the compound heterozygous state along with a second potentially causative TBC1D24 variant in two siblings with hearing loss (Van Heurck et al. 2021. PubMed ID: 34440452). This variant has not been reported in a large population database (gnomAD), indicating this variant is rare. At this time, the clinical significance of this variant is uncertain due to the absence of conclusive functional and genetic evidence.

Ambry Genetics
Classification: Uncertain significance for Inborn genetic diseases. Last evaluated: 2019-08-28. Review status: criteria provided, single submitter. Criteria: Ambry Variant Classification Scheme 2023. Collection method: clinical testing. Allele origin: germline.
Comment: The p.W215G variant (also known as c.643T>G), located in coding exon 1 of the TBC1D24 gene, results from a T to G substitution at nucleotide position 643. The tryptophan at codon 215 is replaced by glycine, an amino acid with highly dissimilar properties. This amino acid position is highly conserved in available vertebrate species. In addition, the in silico prediction for this alteration is inconclusive. Since supporting evidence is limited at this time, the clinical significance of this alteration remains unclear.

Center of Genomic medicine, Geneva, University Hospital of Geneva
Classification: Uncertain significance for Autosomal recessive nonsyndromic hearing loss 86. Last evaluated: 2018-05-31. Review status: criteria provided, single submitter. Criteria: ACMG Guidelines, 2015. Collection method: clinical testing. Allele origin: paternal. Affected: yes. Observed: 2 variant alleles.
Comment: Both patient harbours also a second variant (see above) in this gene in compound heterozygosity